The following is an entry in ClinVar:

NM_000059.4(BRCA2):c.6257del (p.Ile2086fs)

Gene: BRCA2 (BRCA2 DNA repair associated; plus strand). Cytogenetic location: 13q13.1.
Variant type: Deletion.
Coding change: c.6257del on transcript NM_000059.4 (MANE Select); coding-DNA position 6257, one base deleted (T; older notation c.6257delT).
Protein change: p.Ile2086fs; shifts the reading frame from isoleucine 2086.
Molecular consequence: frameshift variant. On other transcripts: non-coding transcript variant (1), intron variant (2).
Genome position (GRCh38, 1-based): chr13:32,340,612, T deleted. VCF-style (leftmost placement, unchanged base first): chr13-32340611-AT-A. GRCh37 (hg19) VCF-style: chr13-32914748-AT-A.
Other names: c.6257del, p.Ile2086fs (NM_001406719.1, NM_001406720.1, NM_001432077.1); c.1910-3946del (NM_001406721.1); c.425-3946del (NM_001406722.1); short protein forms I2086fs.
Identifiers: ClinVar variation 3645136 (VCV003645136.2).

ClinVar aggregate classification (germline): Pathogenic (1 of 4 stars; one submission).

Conditions:
Hereditary breast ovarian cancer syndrome. Also called: Hereditary breast and ovarian cancer syndrome (HBOC); Hereditary breast and ovarian cancer; BRCA1- and BRCA2-Associated Hereditary Breast and Ovarian Cancer; Hereditary breast and ovarian cancer syndrome; Hereditary breast and/or ovarian cancer syndrome; Breast and ovarian cancer. Identifiers: Orphanet 145, MedGen C0677776, MeSH D061325, MONDO:0003582. Disease mechanism: loss of function.

Submission:

Labcorp Genetics (formerly Invitae), Labcorp
Classification: Pathogenic for Hereditary breast ovarian cancer syndrome. Last evaluated: 2024-03-09. Review status: criteria provided, single submitter. Criteria: Invitae Variant Classification Sherloc (09022015). Collection method: clinical testing. Allele origin: germline.
Comment: This sequence change creates a premature translational stop signal (p.Ile2086Thrfs*33) in the BRCA2 gene. It is expected to result in an absent or disrupted protein product. Loss-of-function variants in BRCA2 are known to be pathogenic (PMID: 20104584). This variant is not present in population databases (gnomAD no frequency). This variant has not been reported in the literature in individuals affected with BRCA2-related conditions. For these reasons, this variant has been classified as Pathogenic.

Literature cited by the submitters: PubMed 20104584.